The following is an entry in ClinVar:

ClinVar aggregate classification (germline): Uncertain significance. Review status: criteria provided, multiple submitters, no conflicts (2 of 4 stars). 2 submissions from 2 submitters: Uncertain significance (2). Last evaluated 2025-01-15.

Conditions:
Lowe syndrome (OCRL). Also called: LOWE OCULOCEREBRORENAL SYNDROME; PHOSPHATIDYLINOSITOL 4,5-BISPHOSPHATE 5-PHOSPHATASE DEFICIENCY; Oculocerebrorenal Syndrome. Identifiers: Orphanet 534, MedGen C0028860, MONDO:0010645, OMIM 309000.

Allele frequency attached by ClinVar (database versions not stated): TOPMed 0.00001; gnomAD 0.00002; ExAC 0.00003; gnomAD exomes 0.00005.
gnomAD v4.1: 55 of 1,206,368 alleles (0.0046%); highest among the groups gnomAD compares: African/African-American, 0.007%; no homozygotes.

Submissions (2):

Women's Health and Genetics/Laboratory Corporation of America, LabCorp
Classification: Uncertain significance. Last evaluated: 2025-01-15. Review status: criteria provided, single submitter. Criteria: LabCorp Variant Classification Summary - May 2015. Collection method: clinical testing. Allele origin: germline.
Comment: Variant summary: OCRL c.1602+5A>G alters a non-conserved nucleotide located close to a canonical splice site and therefore could affect mRNA splicing, leading to a significantly altered protein sequence. Consensus agreement among computation tools predict no significant impact on normal splicing. However, these predictions have yet to be confirmed by functional studies. The variant allele was found at a frequency of 6e-05 in 183375 control chromosomes. This frequency is not significantly higher than estimated for a pathogenic variant in OCRL causing Dent Disease (6e-05 vs 0.00043), allowing no conclusion about variant significance. To our knowledge, no occurrence of c.1602+5A>G in individuals affected with Dent Disease and no experimental evidence demonstrating its impact on protein function have been reported. ClinVar contains an entry for this variant (Variation ID: 2048850). Based on the evidence outlined above, the variant was classified as uncertain significance.

Labcorp Genetics (formerly Invitae), Labcorp
Classification: Uncertain significance for Lowe syndrome. Last evaluated: 2024-11-06. Review status: criteria provided, single submitter. Criteria: Invitae Variant Classification Sherloc (09022015). Collection method: clinical testing. Allele origin: germline.
Comment: This sequence change falls in intron 15 of the OCRL gene. It does not directly change the encoded amino acid sequence of the OCRL protein. It affects a nucleotide within the consensus splice site. This variant is present in population databases (rs760831010, gnomAD 0.02%). This variant has not been reported in the literature in individuals affected with OCRL-related conditions. ClinVar contains an entry for this variant (Variation ID: 2048850). Variants that disrupt the consensus splice site are a relatively common cause of aberrant splicing (PMID: 17576681, 9536098). Algorithms developed to predict the effect of sequence changes on RNA splicing suggest that this variant is not likely to affect RNA splicing. In summary, the available evidence is currently insufficient to determine the role of this variant in disease. Therefore, it has been classified as a Variant of Uncertain Significance.

Literature cited by the submitters: PubMed 17576681 (cited by Labcorp Genetics (formerly Invitae), Labcorp); PubMed 9536098 (cited by Labcorp Genetics (formerly Invitae), Labcorp).

NM_000276.4(OCRL):c.1602+5A>G

Gene: OCRL (OCRL inositol polyphosphate-5-phosphatase; plus strand). Cytogenetic location: Xq26.1.
Variant type: single nucleotide variant.
Coding change: c.1602+5A>G on transcript NM_000276.4 (MANE Select); 5 bases into the intron after coding-DNA position 1602, A replaced by G.
Molecular consequence: intron variant.
Genome position (GRCh38, 1-based): chrX:129,569,404, A>G. VCF-style: chrX-129569404-A-G. GRCh37 (hg19) VCF-style: chrX-128703381-A-G.
Other names: c.1602+5A>G (NM_001587.4); c.1605+5A>G (NM_001318784.2).
Identifiers: ClinVar variation 2048850 (VCV002048850.6), dbSNP rs760831010, ClinGen allele CA10512214.